The following is an entry in ClinVar:

ClinVar aggregate classification (germline): Pathogenic (1 of 4 stars; one submission).

Conditions:
Severe myoclonic epilepsy in infancy (DRVT). Also called: Epileptic encephalopathy, early infantile, 6 (Dravet syndrome); SEVERE MYOCLONIC EPILEPSY OF INFANCY; DEVELOPMENTAL AND EPILEPTIC ENCEPHALOPATHY 6A; Severe Myoclonic Epilepsy in Infancy (SMEI); Dravet syndrome. Identifiers: Orphanet 33069, MedGen C0751122, MONDO:0100135, OMIM 607208.

Submission:

Center for Bioinformatics, Peking University
Classification: Pathogenic for Dravet syndrome. Last evaluated: 2014-12-20. Review status: criteria provided, single submitter. Criteria: Xu et al. (Hum Mutat. 2015). Collection method: research. Allele origin: de novo. Affected: yes. Observed: 1 variant allele. Study: University Clinical Cooperation “985 Project” PKU-2014-1-1.
Comment: Dravet syndrome (DS) probands were recruited from the outpatient and inpatient child neurology units of Peking University First Hospital from 2005 till present. The study was approved by the Ethics Committee of Peking University First Hospital and the Institutional Review Board at Peking University. Participants or their parents provided written informed consent before enrollment. We collected a total of 267 mutations from 255 families with probands diagnosed with DS in China. All probands fulfilled the clinical diagnostic criteria.

NM_001165963.4(SCN1A):c.3763G>C (p.Ala1255Pro)

Genes: SCN1A (sodium voltage-gated channel alpha subunit 1; minus strand), LOC102724058 (uncharacterized LOC102724058; plus strand). Cytogenetic location: 2q24.3.
Variant type: single nucleotide variant.
Coding change: c.3763G>C on transcript NM_001165963.4 (MANE Select); coding-DNA position 3763, G replaced by C.
Protein change: p.Ala1255Pro; replaces alanine 1255 with proline.
Molecular consequence: missense variant. On other transcripts: non-coding transcript variant (1).
Genome position (GRCh38, 1-based): chr2:166,012,225, C>G on the plus strand (G>C on the coding strand, the complement: SCN1A is on the minus strand). VCF-style: chr2-166012225-C-G. GRCh37 (hg19) VCF-style: chr2-166868735-C-G.
Other names: c.3730G>C, p.Ala1244Pro (NM_001353949.2, NM_001353950.2, NM_001353951.2 and 2 more transcripts); c.3727G>C, p.Ala1243Pro (NM_001353954.2, NM_001353955.2); c.3679G>C, p.Ala1227Pro (NM_001353957.2, NM_001353958.2, NM_001165964.3); c.3676G>C, p.Ala1226Pro (NM_001353960.2); c.1321G>C, p.Ala441Pro (NM_001353961.2); c.3763G>C, p.Ala1255Pro (NM_001202435.3, NM_001353948.2); short protein forms A1244P, A1255P, A1243P, A1226P, A1227P, A441P.
Identifiers: ClinVar variation 189879 (VCV000189879.1), dbSNP rs777939538, ClinGen allele CA303188.